The following is an entry in ClinVar:

NM_004793.4(LONP1):c.2482C>T (p.His828Tyr)

Gene: LONP1 (lon peptidase 1, mitochondrial; minus strand). Cytogenetic location: 19p13.3.
Variant type: single nucleotide variant.
Coding change: c.2482C>T on transcript NM_004793.4 (MANE Select); coding-DNA position 2482, C replaced by T.
Protein change: p.His828Tyr; replaces histidine 828 with tyrosine.
Molecular consequence: missense variant. On other transcripts: non-coding transcript variant (1).
Genome position (GRCh38, 1-based): chr19:5,693,608, G>A on the plus strand (C>T on the coding strand, the complement: LONP1 is on the minus strand). VCF-style: chr19-5693608-G-A. GRCh37 (hg19) VCF-style: chr19-5693619-G-A.
Other names: c.2290C>T, p.His764Tyr (NM_001276479.2); c.1894C>T, p.His632Tyr (NM_001276480.1); short protein forms H632Y, H764Y, H828Y.
Identifiers: ClinVar variation 1030841 (VCV001030841.5), dbSNP rs766992987, ClinGen allele CA9114103.

ClinVar aggregate classification (germline): Uncertain significance. Review status: criteria provided, multiple submitters, no conflicts (2 of 4 stars). 2 submissions from 2 submitters: Uncertain significance (2). Last evaluated 2024-09-08.

Conditions:
CODAS syndrome. Also called: CEREBRAL, OCULAR, DENTAL, AURICULAR, AND SKELETAL ANOMALIES SYNDROME. Identifiers: Orphanet 1458, MedGen C1838180, MONDO:0010879, OMIM 600373.

Allele frequency attached by ClinVar (database versions not stated): ExAC 0.00001; gnomAD 0.00001 and 0.00002; gnomAD exomes 0.00001 and 0.00002; TOPMed 0.00003.
gnomAD v4.1: 19 of 1,613,980 alleles (0.0012%); highest among the groups gnomAD compares: Admixed American, 0.0033%; no homozygotes.

Submissions (2):

Labcorp Genetics (formerly Invitae), Labcorp
Classification: Uncertain significance. Last evaluated: 2024-09-08. Review status: criteria provided, single submitter. Criteria: Invitae Variant Classification Sherloc (09022015). Collection method: clinical testing. Allele origin: germline.
Comment: This sequence change replaces histidine, which is basic and polar, with tyrosine, which is neutral and polar, at codon 828 of the LONP1 protein (p.His828Tyr). This variant is present in population databases (rs766992987, gnomAD 0.009%). This variant has not been reported in the literature in individuals affected with LONP1-related conditions. ClinVar contains an entry for this variant (Variation ID: 1030841). Invitae Evidence Modeling of protein sequence and biophysical properties (such as structural, functional, and spatial information, amino acid conservation, physicochemical variation, residue mobility, and thermodynamic stability) indicates that this missense variant is not expected to disrupt LONP1 protein function with a negative predictive value of 80%. In summary, the available evidence is currently insufficient to determine the role of this variant in disease. Therefore, it has been classified as a Variant of Uncertain Significance.

Baylor Genetics
Classification: Uncertain significance for CODAS syndrome. Last evaluated: 2020-03-21. Review status: criteria provided, single submitter. Criteria: ACMG Guidelines, 2015. Collection method: clinical testing. Allele origin: unknown. Affected: yes.
Comment: This variant was determined to be of uncertain significance according to ACMG Guidelines, 2015 [PMID:25741868].